The following is an entry in ClinVar:

ClinVar aggregate classification (germline): Uncertain significance. Review status: criteria provided, multiple submitters, no conflicts (2 of 4 stars). 2 submissions from 2 submitters: Uncertain significance (2). Last evaluated 2025-08-22.

Allele frequency attached by ClinVar (database versions not stated): gnomAD exomes below 0.00001.
gnomAD v4.1: 4 of 1,614,230 alleles (0.00025%); highest among the groups gnomAD compares: Middle Eastern, 0.016%; no homozygotes.

Submissions (2):

Ambry Genetics
Classification: Uncertain significance. Last evaluated: 2025-08-22. Review status: criteria provided, single submitter. Criteria: Ambry Variant Classification Scheme 2023. Collection method: clinical testing. Allele origin: germline.

Labcorp Genetics (formerly Invitae), Labcorp
Classification: Uncertain significance. Last evaluated: 2023-12-19. Review status: criteria provided, single submitter. Criteria: Invitae Variant Classification Sherloc (09022015). Collection method: clinical testing. Allele origin: germline.
Comment: This sequence change replaces threonine, which is neutral and polar, with alanine, which is neutral and non-polar, at codon 1244 of the NPAT protein (p.Thr1244Ala). This variant is present in population databases (no rsID available, gnomAD 0.007%). This variant has not been reported in the literature in individuals affected with NPAT-related conditions. Algorithms developed to predict the effect of missense changes on protein structure and function output the following: SIFT: "Not Available"; PolyPhen-2: "Benign"; Align-GVGD: "Not Available". The alanine amino acid residue is found in multiple mammalian species, which suggests that this missense change does not adversely affect protein function. In summary, the available evidence is currently insufficient to determine the role of this variant in disease. Therefore, it has been classified as a Variant of Uncertain Significance.

NM_002519.3(NPAT):c.3730A>G (p.Thr1244Ala)

Gene: NPAT (nuclear protein, coactivator of histone transcription; minus strand). Cytogenetic location: 11q22.3.
Variant type: single nucleotide variant.
Coding change: c.3730A>G on transcript NM_002519.3 (MANE Select); coding-DNA position 3730, A replaced by G.
Protein change: p.Thr1244Ala; replaces threonine 1244 with alanine.
Molecular consequence: missense variant.
Genome position (GRCh38, 1-based): chr11:108,161,356, T>C on the plus strand (A>G on the coding strand, the complement: NPAT is on the minus strand). VCF-style: chr11-108161356-T-C. GRCh37 (hg19) VCF-style: chr11-108032083-T-C.
Other names: c.3751A>G, p.Thr1251Ala (NM_001321307.1); c.3730A>G (NM_002519.2); short protein forms T1251A, T1244A.
Identifiers: ClinVar variation 2782905 (VCV002782905.4), dbSNP rs1476744886, ClinGen allele CA382510175.